The following is an entry in ClinVar:

NM_001040436.3(YARS2):c.1274+159G>A

Gene: YARS2 (tyrosyl-tRNA synthetase 2; minus strand). Cytogenetic location: 12p11.21.
Variant type: single nucleotide variant.
Coding change: c.1274+159G>A on transcript NM_001040436.3 (MANE Select); 159 bases into the intron after coding-DNA position 1274, G replaced by A.
Molecular consequence: intron variant.
Genome position (GRCh38, 1-based): chr12:32,749,778, C>T on the plus strand (G>A on the coding strand, the complement: YARS2 is on the minus strand). VCF-style: chr12-32749778-C-T. GRCh37 (hg19) VCF-style: chr12-32902712-C-T.
Identifiers: ClinVar variation 681015 (VCV000681015.2), dbSNP rs61926203, ClinGen allele CA235214870.

ClinVar aggregate classification (germline): Benign. Review status: criteria provided, multiple submitters, no conflicts (2 of 4 stars). 2 submissions from 2 submitters: Benign (2). Last evaluated 2018-06-14.

Allele frequency attached by ClinVar (database versions not stated): 1000 Genomes Project 0.02236; 1000 Genomes Project 30x 0.02342; gnomAD 0.02812 and 0.02962; TOPMed 0.02973.

Submissions (2):

GeneDx
Classification: Benign. Last evaluated: 2018-06-14. Review status: criteria provided, single submitter. Criteria: GeneDx Variant Classification (06012015). Collection method: clinical testing. Allele origin: germline. Affected: yes.
Comment: This variant is considered likely benign or benign based on one or more of the following criteria: it is a conservative change, it occurs at a poorly conserved position in the protein, it is predicted to be benign by multiple in silico algorithms, and/or has population frequency not consistent with disease.

Breakthrough Genomics
Classification: Benign. Review status: criteria provided, single submitter. Criteria: ACMG Guidelines, 2015. Collection method: not provided. Allele origin: germline. Inheritance: Autosomal recessive inheritance. Affected: yes.